The following is an entry in ClinVar:

ClinVar aggregate classification (germline): Uncertain significance (1 of 4 stars; one submission).

Conditions:
Joubert syndrome. Also called: CEREBELLOPARENCHYMAL DISORDER IV; JOUBERT-BOLTSHAUSER SYNDROME; Familial aplasia of the vermis. Identifiers: Orphanet 475, MedGen C5979921, MONDO:0018772.
Nephronophthisis. Also called: Juvenile Nephronophthisis. Identifiers: Orphanet 655, MedGen C0687120, MONDO:0019005, HP:0000090.
Meckel-Gruber syndrome. Also called: DYSENCEPHALIA SPLANCHNOCYSTICA; GRUBER SYNDROME; Dysencephalia splachnocystica. Identifiers: Orphanet 564, MedGen C0265215, MONDO:0018921.

gnomAD v4.1: 1 of 1,239,454 alleles (0.000081%); highest among the groups gnomAD compares: Non-Finnish European, 0.0001%; no homozygotes.

Submission:

Labcorp Genetics (formerly Invitae), Labcorp
Classification: Uncertain significance for Joubert syndrome; Meckel-Gruber syndrome; Nephronophthisis. Last evaluated: 2024-03-04. Review status: criteria provided, single submitter. Criteria: Invitae Variant Classification Sherloc (09022015). Collection method: clinical testing. Allele origin: germline.
Comment: This sequence change replaces aspartic acid, which is acidic and polar, with tyrosine, which is neutral and polar, at codon 1368 of the CEP290 protein (p.Asp1368Tyr). This variant is not present in population databases (gnomAD no frequency). This variant has not been reported in the literature in individuals affected with CEP290-related conditions. ClinVar contains an entry for this variant (Variation ID: 1421294). Advanced modeling of protein sequence and biophysical properties (such as structural, functional, and spatial information, amino acid conservation, physicochemical variation, residue mobility, and thermodynamic stability) performed at Invitae indicates that this missense variant is not expected to disrupt CEP290 protein function with a negative predictive value of 80%. In summary, the available evidence is currently insufficient to determine the role of this variant in disease. Therefore, it has been classified as a Variant of Uncertain Significance.

NM_025114.4(CEP290):c.4102G>T (p.Asp1368Tyr)

Gene: CEP290 (centrosomal protein 290; minus strand). Cytogenetic location: 12q21.32.
Variant type: single nucleotide variant.
Coding change: c.4102G>T on transcript NM_025114.4 (MANE Select); coding-DNA position 4102, G replaced by T.
Protein change: p.Asp1368Tyr; replaces aspartic acid 1368 with tyrosine.
Molecular consequence: missense variant.
Genome position (GRCh38, 1-based): chr12:88,087,872, C>A on the plus strand (G>T on the coding strand, the complement: CEP290 is on the minus strand). VCF-style: chr12-88087872-C-A. GRCh37 (hg19) VCF-style: chr12-88481649-C-A.
Other names: short protein forms D1368Y.
Identifiers: ClinVar variation 1421294 (VCV001421294.5), dbSNP rs184143186, ClinGen allele CA385999207.
Genomic context (GRCh38, chr12:88,087,872, plus strand): 5'-TGCTGATTGTACGTTCATATTCAGAAATTATGTTATTCAAATATTTTATTTCTTCTTTAT[C>A]CTTGACTAATTCCCGATTTAGTTTAAGTTCTTGAAGACGAAGTTCTTCTATTTTCATATG-3'
Protein context (NP_079390.3, residues 1358-1378): ELKLNRELVK[Asp1368Tyr]KEEIKYLNNI